The following is an entry in ClinVar:

NM_006019.4(TCIRG1):c.766del (p.Ala256fs)

Gene: TCIRG1 (T cell immune regulator 1, ATPase H+ transporting V0 subunit a3; plus strand). Cytogenetic location: 11q13.2.
Variant type: Deletion.
Coding change: c.766del on transcript NM_006019.4 (MANE Select); coding-DNA position 766, one base deleted (G; older notation c.766delG).
Protein change: p.Ala256fs; shifts the reading frame from alanine 256.
Molecular consequence: frameshift variant. On other transcripts: 5 prime UTR variant (1).
Genome position (GRCh38, 1-based): chr11:68,043,866, G deleted; the last of 4 consecutive G bases (chr11:68,043,863-68,043,866); deleting any one gives the same sequence. VCF-style (leftmost placement, unchanged base first): chr11-68043862-CG-C. GRCh37 (hg19) VCF-style: chr11-67811329-CG-C.
Other names: c.-129del (NM_001351059.2); c.118del, p.Ala40fs (NM_006053.4); short protein forms A256fs, A40fs.
Identifiers: ClinVar variation 1725472 (VCV001725472.2), dbSNP rs2495624005, ClinGen allele CA2580084678.

ClinVar aggregate classification (germline): Likely pathogenic (1 of 4 stars; one submission).

Conditions:
Autosomal recessive osteopetrosis 1. Also called: TCIRG1-Related Autosomal Recessive Osteopetrosis; ALBERS-SCHONBERG DISEASE, AUTOSOMAL RECESSIVE; TCIRG1-Related Osteopetrosis. Identifiers: Orphanet 667, MedGen C1850127, MONDO:0009815, OMIM 259700.

Submission:

Myriad Genetics, Inc.
Classification: Likely pathogenic for Autosomal recessive osteopetrosis 1. Last evaluated: 2022-03-27. Review status: criteria provided, single submitter. Criteria: Myriad Women's Health Autosomal Recessive and X-Linked Classification Criteria (2021). Collection method: clinical testing. Allele origin: unknown.
Comment: NM_006019.3(TCIRG1):c.766delG(A256Pfs*23) is expected to be pathogenic in the context of autosomal recessive osteopetrosis type 1. This variant is predicted to lead to an abnormal or absent protein product due to the creation of a premature termination codon in TCIRG1, a gene where loss-of-function variants are known to be pathogenic. Please note: this variant was assessed in the context of healthy population screening.